The following is an entry in ClinVar:

NM_001211.6(BUB1B):c.422dup (p.Tyr141Ter)

Gene: BUB1B (BUB1 mitotic checkpoint serine/threonine kinase B; plus strand). Cytogenetic location: 15q15.1.
Variant type: Duplication.
Coding change: c.422dup on transcript NM_001211.6 (MANE Select); coding-DNA position 422, one base duplicated (A; older notation c.422dupA).
Protein change: p.Tyr141Ter; replaces tyrosine 141 with a stop codon.
Molecular consequence: nonsense.
Genome position (GRCh38, 1-based): chr15:40,176,514, A duplicated. VCF-style (leftmost placement, unchanged base first): chr15-40176513-T-TA. GRCh37 (hg19) VCF-style: chr15-40468714-T-TA.
Other names: short protein forms Y141*.
Identifiers: ClinVar variation 1073991 (VCV001073991.7), dbSNP rs1455613910, ClinGen allele CA712711382.
Genomic context (GRCh38, chr15:40,176,513, plus strand): 5'-TAACTGTTAACACTTCTGTTACAGGGGCGTTTATGCAATGAGCCTTTGGATATGTACAGT[T>TA]ACTTGCACAACCAAGGGATTGGTGTTTCACTTGCTCAGTTCTATATCTCATGGGCAGAAG-3'

ClinVar aggregate classification (germline): Pathogenic (1 of 4 stars; one submission).

Conditions:
Mosaic variegated aneuploidy syndrome 1 (MVA1). Also called: Warburton-Anyane-Yeboa syndrome. Identifiers: Orphanet 1052, MedGen C1850343, MONDO:0009759, OMIM 257300.

Allele frequency attached by ClinVar (database versions not stated): TOPMed 0.00002.

Submission:

Labcorp Genetics (formerly Invitae), Labcorp
Classification: Pathogenic for Mosaic variegated aneuploidy syndrome 1. Last evaluated: 2020-02-06. Review status: criteria provided, single submitter. Criteria: Invitae Variant Classification Sherloc (09022015). Collection method: clinical testing. Allele origin: germline.
Comment: For these reasons, this variant has been classified as Pathogenic. Loss-of-function variants in BUB1B are known to be pathogenic (PMID: 15475955, 21190457). This variant has not been reported in the literature in individuals with BUB1B-related conditions. This variant is not present in population databases (ExAC no frequency). This sequence change creates a premature translational stop signal (p.Tyr141*) in the BUB1B gene. It is expected to result in an absent or disrupted protein product.

Literature cited by the submitters: PubMed 15475955; PubMed 21190457.